The following is an entry in ClinVar:

NM_004985.5(KRAS):c.178G>C (p.Gly60Arg)

Gene: KRAS (KRas proto-oncogene, GTPase; minus strand). Cytogenetic location: 12p12.1.
Variant type: single nucleotide variant.
Coding change: c.178G>C on transcript NM_004985.5 (MANE Select); coding-DNA position 178, G replaced by C.
Protein change: p.Gly60Arg; replaces glycine 60 with arginine.
Molecular consequence: missense variant.
Genome position (GRCh38, 1-based): chr12:25,227,346, C>G on the plus strand (G>C on the coding strand, the complement: KRAS is on the minus strand). VCF-style: chr12-25227346-C-G. GRCh37 (hg19) VCF-style: chr12-25380280-C-G.
Other names: p.G60R:GGT>CGT; NM_004985.4(KRAS):c.178G>C; c.178G>C, p.Gly60Arg (NM_001369786.1, NM_001369787.1, NM_033360.4); short protein forms G60R.
Identifiers: ClinVar variation 12586 (VCV000012586.25), dbSNP rs104894359, ClinGen allele CA273416.

ClinVar aggregate classification (germline): Pathogenic. Review status: reviewed by expert panel (3 of 4 stars). 10 submissions from 10 submitters: Pathogenic (1). 9 of the submissions do not count toward it. Last evaluated 2017-04-03.

Conditions:
KRAS-related disorder. Also called: KRAS-related disorders; KRAS-related condition.
Cardio-facio-cutaneous syndrome. Also called: Cardiofaciocutaneous syndrome; CFC syndrome. Identifiers: Orphanet 1340, MedGen C1275081, MONDO:0015280. Disease mechanism: gain of function.
Noonan syndrome (NS). Also called: Noonan's syndrome. Identifiers: Orphanet 648, MedGen C0028326, MeSH D009634, MONDO:0018997. Disease mechanism: gain of function.
Inborn genetic diseases. Identifiers: MedGen C0950123, MeSH D030342.
Cardiofaciocutaneous syndrome 2 (CFC2). Also called: KRAS-Related Cardiofaciocutaneous Syndrome. Identifiers: Orphanet 1340, MedGen C3809005, MONDO:0014112, OMIM 615278.
RASopathy. Also called: rasopathies; Noonan spectrum disorder. Identifiers: Orphanet 536391, MedGen C5555857, MONDO:0021060.
Noonan syndrome 3 (NS3). Also called: KRAS-Related Noonan Syndrome. Identifiers: Orphanet 648, MedGen C1860991, MONDO:0012371, OMIM 609942.

Submissions (10):

ClinGen RASopathy Variant Curation Expert Panel
Classification: Pathogenic for Cardio-facio-cutaneous syndrome. Last evaluated: 2017-04-03. Review status: reviewed by expert panel. Criteria: ClinGen RASopathy ACMG Specifications v1. Collection method: curation. Allele origin: germline. Inheritance: Autosomal dominant inheritance.
Comment: The c.178G>C (p.Gly60Arg) variant in KRAS has been reported in the literature as a de novo occurrence in 2 patients with clinical features of a RASopathy (PM6_Strong; PMID 16474404, 20949621). In vitro functional studies provide some evidence that the p.Gly60Arg variant may impact protein function (PS3; PMID 20949621). This variant was absent from large population studies (PM2; ExAC). The variant is in KRAS, which has been defined by the ClinGen RASopathy Expert Panel as a gene with low rate of benign missense with missense variants commonly being pathogenic (PP2; PMID 29493581). Furthermore, the variant is in a location that has been defined by the ClinGen RASopathy Expert Panel to be a mutational hotspot or domain of KRAS (PM1; PMID 29493581). Computational prediction tools and conservation analysis suggest that the p.Gly60Arg variant may impact the protein (PP3). In summary, this variant meets criteria to be classified as pathogenic for RASopathies in an autosomal dominant manner. ACMG/AMP criteria applied: PM6_Strong, PS3, PM2, PM1, PP3, PP2.

Victorian Clinical Genetics Services, Murdoch Childrens Research Institute
Classification: Pathogenic for Cardiofaciocutaneous syndrome 2. Last evaluated: 2025-10-24. Review status: criteria provided, single submitter. Criteria: ACMG Guidelines, 2015. Collection method: clinical testing. Allele origin: germline. Affected: yes. Not counted in ClinVar's aggregate classification.
Comment: This variant is classified as Pathogenic. Evidence in support of pathogenic classification: Variant is absent from gnomAD (v2, v3 and v4); This variant has strong previous evidence of pathogenicity in unrelated individuals. This variant is classified as pathogenic by the ClinGen RASopathy Variant Curation Expert Panel in ClinVar; Additional information: Variant is predicted to result in a missense amino acid change from glycine to arginine; This variant is heterozygous; This gene is associated with autosomal dominant disease. However, post-zygotic somatic alterations in the KRAS gene have also been reported (OMIM); Alternative amino acid change(s) at the same position are present in gnomAD (Highest allele count: v4: 3 heterozygote(s), 0 homozygote(s)); Gain of function is a known mechanism of disease in this gene. This gene is associated with multiple somatic and germline conditions (OMIM).

Labcorp Genetics (formerly Invitae), Labcorp
Classification: Pathogenic for RASopathy. Last evaluated: 2024-12-31. Review status: criteria provided, single submitter. Criteria: Invitae Variant Classification Sherloc (09022015). Collection method: clinical testing. Allele origin: germline. Not counted in ClinVar's aggregate classification.
Comment: This sequence change replaces glycine, which is neutral and non-polar, with arginine, which is basic and polar, at codon 60 of the KRAS protein (p.Gly60Arg). This variant is not present in population databases (gnomAD no frequency). This missense change has been observed in individual(s) with cardio-facio-cutaneous syndrome (PMID: 16474404, 26242988, 28650561). In at least one individual the variant was observed to be de novo. ClinVar contains an entry for this variant (Variation ID: 12586). Invitae Evidence Modeling incorporating data from in vitro experimental studies (internal data) indicates that this missense variant is expected to disrupt KRAS function with a positive predictive value of 95%. Experimental studies have shown that this missense change affects KRAS function (PMID: 20949621). For these reasons, this variant has been classified as Pathogenic.

3billion
Classification: Pathogenic for Noonan syndrome 3. Last evaluated: 2024-12-16. Review status: criteria provided, single submitter. Criteria: ACMG Guidelines, 2015. Collection method: clinical testing. Allele origin: germline. Affected: yes. Not counted in ClinVar's aggregate classification.
Comment: The variant is not observed in the gnomAD v4.1.0 dataset. Predicted Consequence/Location: The variant is located in a mutational hot spot and/or well-established functional domain in which established pathogenic variants have been reported (PMID: 29493581). Missense variant. Missense changes are a common disease-causing mechanism. Functional studies provide strong evidence of the variant having a damaging effect on the gene or gene product (PMID: 20949621). In silico tool predictions suggest damaging effect of the variant on gene or gene product [REVEL: 0.94 (>=0.6, sensitivity 0.68 and specificity 0.92); 3Cnet: 0.99 (>=0.6, sensitivity 0.72 and precision 0.9)]. The same nucleotide change resulting in the same amino acid change has been previously reported as pathogenic/likely pathogenic with strong evidence (ClinVar ID: VCV000012586 /PMID: 16474404 /3billion dataset). The variant has been previously reported as assumed (i.e. paternity and maternity not confirmed) de novo in at least two similarly affected unrelated individuals (PMID: 16474404, 20949621). Different missense changes at the same codon (p.Gly60Ser, p.Gly60Val) have been reported as pathogenic/likely pathogenic with strong evidence (ClinVar ID: VCV000012597, VCV000163766 /PMID: 19396835). Therefore, this variant is classified as Pathogenic according to the recommendation of ACMG/AMP guideline.

Blueprint Genetics
Classification: Pathogenic for KRAS-related disorders. Last evaluated: 2023-11-03. Review status: criteria provided, single submitter. Criteria: ACMG Guidelines, 2015. Collection method: clinical testing. Allele origin: germline. Affected: yes. Observed: 3 variant alleles. Not counted in ClinVar's aggregate classification.

Laboratory of Medical Genetics, National & Kapodistrian University of Athens
Classification: Pathogenic for Noonan syndrome 3. Last evaluated: 2023-06-13. Review status: criteria provided, single submitter. Criteria: ACMG Guidelines, 2015. Collection method: clinical testing. Allele origin: germline. Affected: yes. Not counted in ClinVar's aggregate classification.
Comment: PM1, PM2, PM5, PP3, PP5

GeneDx
Classification: Pathogenic. Last evaluated: 2016-04-20. Review status: criteria provided, single submitter. Criteria: GeneDx Variant Classification (06012015). Collection method: clinical testing. Allele origin: germline. Affected: yes. Not counted in ClinVar's aggregate classification.
Comment: The G60R missense variant in the KRAS gene has been reported previously in association with cardio-facio-cutaneous (CFC) syndrome and observed de novo (Niihori et al., 2006; Joyce et al., 2015). The G60R variant was not observed in approximately 6,500 individuals of European and African American ancestry in the NHLBI Exome Sequencing Project, indicating it is not a common benign variant in these populations. G60R is a non-conservative amino acid substitution, which is likely to impact secondary protein structure as these residues differ in polarity, charge, size and/or other properties. This substitution occurs at a highly conserved position within the GTP binding region. Functional in vitro studies have demonstrated that G60R results in an increase in kinase activity (MEK, ERK, and AKT) (Gremer et al., 2011). Therefore, the presence of this variant is consistent with a diagnosis of cardio-facio-cutaneous syndrome.

Ambry Genetics
Classification: Pathogenic for Inborn genetic diseases. Last evaluated: 2016-02-19. Review status: criteria provided, single submitter. Criteria: Ambry exome assertion method (8-5-2015). Collection method: clinical testing. Allele origin: germline. Affected: yes. Observed: 1 variant allele. Not counted in ClinVar's aggregate classification.

Laboratory for Molecular Medicine, Mass General Brigham Personalized Medicine
Classification: Pathogenic for Noonan syndrome; Cardio-facio-cutaneous syndrome. Last evaluated: 2015-09-29. Review status: criteria provided, single submitter. Criteria: LMM Criteria. Collection method: clinical testing. Allele origin: germline. Inheritance: Autosomal dominant inheritance. Observed: 3 variant alleles. Not counted in ClinVar's aggregate classification.
Comment: proposed classification - variant undergoing re-assessment, contact laboratory

OMIM
Classification: Pathogenic for CARDIOFACIOCUTANEOUS SYNDROME 2. Last evaluated: 2006-03-01. Review status: no assertion criteria provided. Collection method: literature only. Allele origin: germline. Not counted in ClinVar's aggregate classification.

Literature cited by the submitters: PubMed 20949621 (cited by 5 submitters); PubMed 16474404 (cited by 6 submitters); PubMed 26242988 (cited by Labcorp Genetics (formerly Invitae), Labcorp); PubMed 28650561 (cited by Labcorp Genetics (formerly Invitae), Labcorp); PubMed 19396835 (cited by 3billion); PubMed 24803665 (cited by Ambry Genetics); PubMed 17056636 (cited by Laboratory for Molecular Medicine, Mass General Brigham Personalized Medicine).